The following is an entry in ClinVar:

NM_001130987.2(DYSF):c.4421T>C (p.Val1474Ala)

Gene: DYSF (dysferlin; plus strand). Cytogenetic location: 2p13.2.
Variant type: single nucleotide variant.
Coding change: c.4421T>C on transcript NM_001130987.2 (MANE Select); coding-DNA position 4421, T replaced by C.
Protein change: p.Val1474Ala; replaces valine 1474 with alanine.
Molecular consequence: missense variant.
Genome position (GRCh38, 1-based): chr2:71,613,367, T>C. VCF-style: chr2-71613367-T-C. GRCh37 (hg19) VCF-style: chr2-71840497-T-C.
Other names: c.4370T>C, p.Val1457Ala (NM_001130455.2, NM_001130983.2); c.4325T>C, p.Val1442Ala (NM_001130976.2, NM_001130977.2); c.4367T>C, p.Val1456Ala (NM_001130978.2, NM_003494.4); c.4460T>C, p.Val1487Ala (NM_001130979.2); c.4418T>C, p.Val1473Ala (NM_001130980.2, NM_001130981.2); c.4463T>C, p.Val1488Ala (NM_001130982.2); c.4328T>C, p.Val1443Ala (NM_001130984.2, NM_001130986.2); c.4421T>C, p.Val1474Ala (NM_001130985.2); short protein forms V1487A, V1442A, V1457A, V1473A, V1443A, V1456A, V1474A, V1488A.
Identifiers: ClinVar variation 665436 (VCV000665436.6), dbSNP rs1574354256, ClinGen allele CA347229591.
Genomic context (GRCh38, chr2:71,613,367, plus strand): 5'-AGGCCTGGATGGCTCCCTCCCCTGCAGACGATGTGAGCCTACTCAGTCCTGGGGAAGACG[T>C]GCTCATCGACATTGATGACAAGGAGCCCCTCATCCCCATCCAGGTAGGATGGGCATCCTC-3'
Protein context (NP_001124459.1, residues 1464-1484): DVSLLSPGED[Val1474Ala]LIDIDDKEPL

ClinVar aggregate classification (germline): Uncertain significance (1 of 4 stars; one submission).

Conditions:
Neuromuscular disease caused by qualitative or quantitative defects of dysferlin. Also called: Qualitative or quantitative defects of dysferlin; Dysferlinopathy. Identifiers: Orphanet 207073, MedGen C2931687, MONDO:0016145.

Allele frequency attached by ClinVar (database versions not stated): gnomAD exomes below 0.00001.
gnomAD v4.1: 1 of 1,613,596 alleles (0.000062%); no homozygotes.

Submission:

Labcorp Genetics (formerly Invitae), Labcorp
Classification: Uncertain significance for Neuromuscular disease caused by qualitative or quantitative defects of dysferlin. Last evaluated: 2021-08-20. Review status: criteria provided, single submitter. Criteria: Invitae Variant Classification Sherloc (09022015). Collection method: clinical testing. Allele origin: germline.
Comment: This sequence change replaces valine with alanine at codon 1456 of the DYSF protein (p.Val1456Ala). The valine residue is moderately conserved and there is a small physicochemical difference between valine and alanine. This variant is not present in population databases (ExAC no frequency). This variant has not been reported in the literature in individuals affected with DYSF-related conditions. Algorithms developed to predict the effect of missense changes on protein structure and function are either unavailable or do not agree on the potential impact of this missense change (SIFT: "Tolerated"; PolyPhen-2: "Possibly Damaging"; Align-GVGD: "Class C0"). In summary, the available evidence is currently insufficient to determine the role of this variant in disease. Therefore, it has been classified as a Variant of Uncertain Significance.